The following is an entry in ClinVar:

NM_170707.4(LMNA):c.1917C>A (p.Asp639Glu)

Gene: LMNA (lamin A/C; plus strand). Cytogenetic location: 1q22.
Variant type: single nucleotide variant.
Coding change: c.1917C>A on transcript NM_170707.4 (MANE Select); coding-DNA position 1917, C replaced by A.
Protein change: p.Asp639Glu; replaces aspartic acid 639 with glutamic acid.
Molecular consequence: missense variant. On other transcripts: intron variant (1).
Genome position (GRCh38, 1-based): chr1:156,138,706, C>A. VCF-style: chr1-156138706-C-A. GRCh37 (hg19) VCF-style: chr1-156108497-C-A.
Other names: c.1581C>A, p.Asp527Glu (NM_001257374.3); c.1827C>A, p.Asp609Glu (NM_170708.4); c.1818+99C>A (NM_001282626.2); short protein forms D609E, D639E, D527E.
Identifiers: ClinVar variation 575220 (VCV000575220.8), dbSNP rs1558135357, ClinGen allele CA342827903.

ClinVar aggregate classification (germline): Uncertain significance (1 of 4 stars; one submission).

Conditions:
Charcot-Marie-Tooth disease type 2. Also called: Charcot-Marie-Tooth type 2. Identifiers: Orphanet 64746, MedGen C0270914, MONDO:0018993.

Submission:

Labcorp Genetics (formerly Invitae), Labcorp
Classification: Uncertain significance for Charcot-Marie-Tooth disease type 2. Last evaluated: 2018-03-07. Review status: criteria provided, single submitter. Criteria: Invitae Variant Classification Sherloc (09022015). Collection method: clinical testing. Allele origin: germline.
Comment: Algorithms developed to predict the effect of missense changes on protein structure and function (SIFT, PolyPhen-2, Align-GVGD) all suggest that this variant is likely to be tolerated, but these predictions have not been confirmed by published functional studies and their clinical significance is uncertain. In summary, the available evidence is currently insufficient to determine the role of this variant in disease. Therefore, it has been classified as a Variant of Uncertain Significance. A different missense substitution at this codon (Asp639Gly) has been reported in an individual affected with limb-girdle muscular dystrophy (PMID: 15678000). This variant has not been reported in the literature in individuals with LMNA-related disease. This sequence change replaces aspartic acid with glutamic acid at codon 639 of the LMNA protein (p.Asp639Glu). The aspartic acid residue is moderately conserved and there is a small physicochemical difference between aspartic acid and glutamic acid. This variant is not present in population databases (ExAC no frequency).

Literature cited by the submitters: PubMed 15678000.